The following is an entry in ClinVar:

NM_014639.4(SKIC3):c.2634+1G>T

Gene: SKIC3 (SKI3 subunit of superkiller complex; minus strand). Cytogenetic location: 5q15.
Variant type: single nucleotide variant.
Coding change: c.2634+1G>T on transcript NM_014639.4 (MANE Select); the canonical splice donor site of the intron after coding-DNA position 2634, G replaced by T.
Molecular consequence: splice donor variant.
Genome position (GRCh38, 1-based): chr5:95,516,352, C>A on the plus strand (G>T on the coding strand, the complement: SKIC3 is on the minus strand). VCF-style: chr5-95516352-C-A. GRCh37 (hg19) VCF-style: chr5-94852056-C-A.
Identifiers: ClinVar variation 2017428 (VCV002017428.4), dbSNP rs779108287, ClinGen allele CA360457356.

ClinVar aggregate classification (germline): Likely pathogenic (1 of 4 stars; one submission).

Submission:

Labcorp Genetics (formerly Invitae), Labcorp
Classification: Likely pathogenic. Last evaluated: 2022-07-15. Review status: criteria provided, single submitter. Criteria: Invitae Variant Classification Sherloc (09022015). Collection method: clinical testing. Allele origin: germline.
Comment: Algorithms developed to predict the effect of sequence changes on RNA splicing suggest that this variant may disrupt the consensus splice site. In summary, the currently available evidence indicates that the variant is pathogenic, but additional data are needed to prove that conclusively. Therefore, this variant has been classified as Likely Pathogenic. This variant has not been reported in the literature in individuals affected with TTC37-related conditions. This sequence change affects a donor splice site in intron 25 of the TTC37 gene. It is expected to disrupt RNA splicing. Variants that disrupt the donor or acceptor splice site typically lead to a loss of protein function (PMID: 16199547), and loss-of-function variants in TTC37 are known to be pathogenic (PMID: 20176027, 21120949). This variant is not present in population databases (gnomAD no frequency).

Literature cited by the submitters: PubMed 16199547; PubMed 20176027; PubMed 21120949.